The following is an entry in ClinVar:

NM_002206.3(ITGA7):c.2722_2748delinsTCGGTGGCT (p.Arg909_Leu916delinsValAla)

Gene: ITGA7 (integrin subunit alpha 7; minus strand). Cytogenetic location: 12q13.2.
Variant type: Indel.
Coding change: c.2722_2748delinsTCGGTGGCT on transcript NM_002206.3 (MANE Select); coding-DNA positions 2722 to 2748, AGTAGGGATAGGAGGCGGCGGGAGCTG replaced by TCGGTGGCT.
Protein change: p.Arg909_Leu916delinsValAla.
Molecular consequence: inframe indel.
Genome position (GRCh38, 1-based): chr12:55,692,940-55,692,966, CAGCTCCCGCCGCCTCCTATCCCTACT replaced by AGCCACCGA on the plus strand (AGTAGGGATAGGAGGCGGCGGGAGCTG replaced by TCGGTGGCT on the coding strand, the reverse complement: ITGA7 is on the minus strand). GRCh37 (hg19): chr12:56,086,724-56,086,750.
Other names: c.2734_2760delinsTCGGTGGCT, p.Arg913_Leu920delinsValAla (NM_001144996.2); c.2443_2469delinsTCGGTGGCT, p.Arg816_Leu823delinsValAla (NM_001144997.2); c.2395_2421delinsTCGGTGGCT, p.Arg800_Leu807delinsValAla (NM_001367993.1); c.1378_1404delinsTCGGTGGCT, p.Arg461_Leu468delinsValAla (NM_001367994.1); c.2704_2730delinsTCGGTGGCT, p.Arg903_Leu910delinsValAla (NM_001374465.1); c.2854_2880delinsTCGGTGGCT, p.Arg953_Leu960delinsValAla (NM_001410977.1); c.2716_2742delinsTCGGTGGCT, p.Arg907_Leu914delinsValAla (NM_001414029.1); c.2647_2673delinsTCGGTGGCT, p.Arg884_Leu891delinsValAla (NM_001414030.1); and 6 more.
Identifiers: ClinVar variation 5019717 (VCV005019717.2).

ClinVar aggregate classification (germline): Uncertain significance (1 of 4 stars; one submission).

Conditions:
Congenital muscular dystrophy due to integrin alpha-7 deficiency. Also called: Muscular dystrophy, congenital, due to ITGA7 deficiency; MYOPATHY, CONGENITAL, DUE TO INTEGRIN ALPHA-7 DEFICIENCY; Congenital muscular dystrophy with integrin alpha-7 deficiency. Identifiers: Orphanet 34520, MedGen C2750786, MONDO:0013177, OMIM 613204.

Submission:

Juno Genomics, Hangzhou Juno Genomics, Inc
Classification: Uncertain significance for Congenital muscular dystrophy due to integrin alpha-7 deficiency. Review status: criteria provided, single submitter. Criteria: ACMG Guidelines, 2015. Collection method: clinical testing. Allele origin: germline.
Comment: Absent from controls (or at extremely low frequency if recessive) in Genome Aggregation Database.;Protein length changes due to in-frame deletions/insertions in a non-repeat region or stop-loss variants.